The following is an entry in ClinVar:

ClinVar aggregate classification (germline): Uncertain significance. Review status: criteria provided, multiple submitters, no conflicts (2 of 4 stars). 2 submissions from 2 submitters: Uncertain significance (2). Last evaluated 2022-07-06.

Conditions:
Congenital myasthenic syndrome 8. Also called: MYASTHENIC SYNDROME, CONGENITAL, DUE TO AGRIN DEFICIENCY; Myasthenic syndrome, congenital, 8, with pre- and postsynaptic defects. Identifiers: Orphanet 590, MedGen C3808739, MONDO:0014052, OMIM 615120.

gnomAD v4.1: 4 of 1,612,152 alleles (0.00025%); highest among the groups gnomAD compares: African/African-American, 0.0053%; no homozygotes.

Submissions (2):

Labcorp Genetics (formerly Invitae), Labcorp
Classification: Uncertain significance for Congenital myasthenic syndrome 8. Last evaluated: 2022-07-06. Review status: criteria provided, single submitter. Criteria: Invitae Variant Classification Sherloc (09022015). Collection method: clinical testing. Allele origin: germline.
Comment: In summary, the available evidence is currently insufficient to determine the role of this variant in disease. Therefore, it has been classified as a Variant of Uncertain Significance. Algorithms developed to predict the effect of missense changes on protein structure and function are either unavailable or do not agree on the potential impact of this missense change (SIFT: "Deleterious"; PolyPhen-2: "Probably Damaging"; Align-GVGD: "Class C0"). ClinVar contains an entry for this variant (Variation ID: 1420947). This variant has not been reported in the literature in individuals affected with AGRN-related conditions. The frequency data for this variant in the population databases is considered unreliable, as metrics indicate poor data quality at this position in the gnomAD database. This sequence change replaces cysteine, which is neutral and slightly polar, with phenylalanine, which is neutral and non-polar, at codon 1597 of the AGRN protein (p.Cys1597Phe).

Laboratorio de Genetica e Diagnostico Molecular, Hospital Israelita Albert Einstein
Classification: Uncertain significance. Last evaluated: 2022-01-21. Review status: criteria provided, single submitter. Criteria: ACMG Guidelines, 2015. Collection method: clinical testing. Allele origin: germline. Affected: yes.
Comment: ACMG classification criteria: PM2, PP3

NM_198576.4(AGRN):c.4790G>T (p.Cys1597Phe)

Gene: AGRN (agrin; plus strand). Cytogenetic location: 1p36.33.
Variant type: single nucleotide variant.
Coding change: c.4790G>T on transcript NM_198576.4 (MANE Select); coding-DNA position 4790, G replaced by T.
Protein change: p.Cys1597Phe; replaces cysteine 1597 with phenylalanine.
Molecular consequence: missense variant.
Genome position (GRCh38, 1-based): chr1:1,049,948, G>T. VCF-style: chr1-1049948-G-T. GRCh37 (hg19) VCF-style: chr1-985328-G-T.
Other names: c.4790G>T, p.Cys1597Phe (NM_001305275.2); c.4475G>T, p.Cys1492Phe (NM_001364727.2); short protein forms C1597F, C1492F.
Identifiers: ClinVar variation 1420947 (VCV001420947.8), dbSNP rs376955370, ClinGen allele CA337779412.
Genomic context (GRCh38, chr1:1,049,948, plus strand): 5'-TCTTCCTCCATCCAGGACCAACCTGTGCCGATGAGAAGAGCCCCTGCCAGCCCAACCCCT[G>T]CCATGGGGCGGCGCCCTGCCGTGTGCTGCCCGAGGGTGGTGCTCAGTGCGAGTGCCCCCT-3'
Protein context (NP_940978.2, residues 1587-1607): DEKSPCQPNP[Cys1597Phe]HGAAPCRVLP